The following is an entry in ClinVar:

NM_003924.4(PHOX2B):c.207C>T (p.Thr69=)

Genes: PHOX2B (paired like homeobox 2B; minus strand), PHOX2B-AS1 (PHOX2B antisense RNA 1; plus strand). Cytogenetic location: 4p13.
Variant type: single nucleotide variant.
Coding change: c.207C>T on transcript NM_003924.4 (MANE Select); coding-DNA position 207, C replaced by T.
Protein change: p.Thr69=; no amino-acid change (threonine 69 retained).
Molecular consequence: synonymous variant.
Genome position (GRCh38, 1-based): chr4:41,748,404, G>A on the plus strand (C>T on the coding strand, the complement: PHOX2B is on the minus strand). VCF-style: chr4-41748404-G-A. GRCh37 (hg19) VCF-style: chr4-41750421-G-A.
Identifiers: ClinVar variation 1785529 (VCV001785529.10), dbSNP rs2552097164, ClinGen allele CA438979537.

ClinVar aggregate classification (germline): Likely benign. Review status: criteria provided, multiple submitters, no conflicts (2 of 4 stars). 2 submissions from 2 submitters: Likely benign (2). Last evaluated 2025-08-01.

Conditions:
Hereditary cancer-predisposing syndrome. Also called: Hereditary neoplastic syndrome; Neoplastic Syndromes, Hereditary; Tumor predisposition; Hereditary Cancer Syndrome. Identifiers: Orphanet 140162, MedGen C0027672, MeSH D009386, MONDO:0015356.

Allele frequency attached by ClinVar (database versions not stated): gnomAD exomes below 0.00001.

Submissions (2):

CeGaT Center for Human Genetics Tuebingen
Classification: Likely benign. Last evaluated: 2025-08-01. Review status: criteria provided, single submitter. Criteria: CeGaT Center For Human Genetics Tuebingen Variant Classification Criteria Version 2. Collection method: clinical testing. Allele origin: germline. Affected: yes. Observed: 1 variant allele.
Comment: PHOX2B: BP4, BP7

Ambry Genetics
Classification: Likely benign for Hereditary cancer-predisposing syndrome. Last evaluated: 2020-06-10. Review status: criteria provided, single submitter. Criteria: Ambry Variant Classification Scheme 2023. Collection method: clinical testing. Allele origin: germline.